The following is an entry in ClinVar:

ClinVar aggregate classification (germline): Uncertain significance (1 of 4 stars; one submission).

Conditions:
Primary open angle glaucoma (POAG). Also called: OPTN-related open angle glaucoma. Identifiers: MedGen C0339573, MONDO:0100553, OMIM 137760.
Glaucoma 1, open angle, E. Identifiers: MedGen C1842026, MONDO:0007665.
Amyotrophic lateral sclerosis type 12 (ALS12). Also called: AMYOTROPHIC LATERAL SCLEROSIS 12 WITH OR WITHOUT FRONTOTEMPORAL DEMENTIA. Identifiers: Orphanet 803, MedGen C3150692, MONDO:0013264, OMIM 613435.

Allele frequency attached by ClinVar (database versions not stated): gnomAD exomes below 0.00001 and 0.00002; gnomAD 0.00003; TOPMed 0.00003; ExAC 0.00004.
gnomAD v4.1: 8 of 1,613,572 alleles (0.0005%); highest among the groups gnomAD compares: African/African-American, 0.0067%; no homozygotes.

Submission:

Labcorp Genetics (formerly Invitae), Labcorp
Classification: Uncertain significance for Primary open angle glaucoma; Glaucoma 1, open angle, E; Amyotrophic lateral sclerosis type 12. Last evaluated: 2020-04-26. Review status: criteria provided, single submitter. Criteria: Invitae Variant Classification Sherloc (09022015). Collection method: clinical testing. Allele origin: germline.
Comment: This sequence change replaces lysine with glutamic acid at codon 267 of the OPTN protein (p.Lys267Glu). The lysine residue is moderately conserved and there is a small physicochemical difference between lysine and glutamic acid. This variant is present in population databases (rs780122817, ExAC 0.05%). This variant has not been reported in the literature in individuals with OPTN-related conditions. Algorithms developed to predict the effect of missense changes on protein structure and function are either unavailable or do not agree on the potential impact of this missense change (SIFT: "Tolerated"; PolyPhen-2: "Possibly Damaging"; Align-GVGD: "Class C0"). In summary, the available evidence is currently insufficient to determine the role of this variant in disease. Therefore, it has been classified as a Variant of Uncertain Significance.

NM_001008212.2(OPTN):c.799A>G (p.Lys267Glu)

Gene: OPTN (optineurin; plus strand). Cytogenetic location: 10p13.
Variant type: single nucleotide variant.
Coding change: c.799A>G on transcript NM_001008212.2 (MANE Select); coding-DNA position 799, A replaced by G.
Protein change: p.Lys267Glu; replaces lysine 267 with glutamic acid.
Molecular consequence: missense variant.
Genome position (GRCh38, 1-based): chr10:13,122,404, A>G. VCF-style: chr10-13122404-A-G. GRCh37 (hg19) VCF-style: chr10-13164404-A-G.
Other names: c.799A>G, p.Lys267Glu (NM_001008211.1, NM_001008213.1, NM_021980.4); short protein forms K267E.
Identifiers: ClinVar variation 1043771 (VCV001043771.9), dbSNP rs780122817, ClinGen allele CA5410757.
Genomic context (GRCh38, chr10:13,122,404, plus strand): 5'-CCAAAGAGAAAGTAACTTTTCTATCTTCTGTGATTTTCCAGAGTTTCAGATTTTGAAAAG[A>G]AAACAAGTAATCGTTCTGAGATTGAAACCCAGACAGAGGGGAGCACAGAGAAAGAGAATG-3'
Protein context (NP_001008213.1, residues 257-277): AKERVSDFEK[Lys267Glu]TSNRSEIETQ